The following is an entry in ClinVar:

ClinVar aggregate classification (germline): Uncertain significance (1 of 4 stars; one submission).

Conditions:
Smith-Lemli-Opitz syndrome (SLOS). Also called: 7-Dehydrocholesterol reductase deficiency; LETHAL ACRODYSGENITAL SYNDROME; POLYDACTYLY, SEX REVERSAL, RENAL HYPOPLASIA, AND UNILOBAR LUNG; RSH SYNDROME; RUTLEDGE LETHAL MULTIPLE CONGENITAL ANOMALY SYNDROME. Identifiers: Orphanet 818, MedGen C0175694, MONDO:0010035, OMIM 270400.

gnomAD v4.1: 1 of 1,594,424 alleles (0.000063%); no homozygotes.

Submission:

Labcorp Genetics (formerly Invitae), Labcorp
Classification: Uncertain significance for Smith-Lemli-Opitz syndrome. Last evaluated: 2022-02-04. Review status: criteria provided, single submitter. Criteria: Invitae Variant Classification Sherloc (09022015). Collection method: clinical testing. Allele origin: germline.
Comment: In summary, the available evidence is currently insufficient to determine the role of this variant in disease. Therefore, it has been classified as a Variant of Uncertain Significance. This variant has not been reported in the literature in individuals affected with DHCR7-related conditions. Algorithms developed to predict the effect of missense changes on protein structure and function are either unavailable or do not agree on the potential impact of this missense change (SIFT: "Tolerated"; PolyPhen-2: "Possibly Damaging"; Align-GVGD: "Class C0"). This sequence change replaces alanine, which is neutral and non-polar, with proline, which is neutral and non-polar, at codon 41 of the DHCR7 protein (p.Ala41Pro). This variant is not present in population databases (gnomAD no frequency).

NM_001360.3(DHCR7):c.121G>C (p.Ala41Pro)

Gene: DHCR7 (7-dehydrocholesterol reductase; minus strand). Cytogenetic location: 11q13.4.
Variant type: single nucleotide variant.
Coding change: c.121G>C on transcript NM_001360.3 (MANE Select); coding-DNA position 121, G replaced by C.
Protein change: p.Ala41Pro; replaces alanine 41 with proline.
Molecular consequence: missense variant.
Genome position (GRCh38, 1-based): chr11:71,444,193, C>G on the plus strand (G>C on the coding strand, the complement: DHCR7 is on the minus strand). VCF-style: chr11-71444193-C-G. GRCh37 (hg19) VCF-style: chr11-71155239-C-G.
Other names: c.121G>C, p.Ala41Pro (NM_001163817.2); short protein forms A41P.
Identifiers: ClinVar variation 2151258 (VCV002151258.4), dbSNP rs1949380389, ClinGen allele CA381696712.